The following is an entry in ClinVar:

NM_005751.5(AKAP9):c.883A>G (p.Thr295Ala)

Gene: AKAP9 (A-kinase anchoring protein 9; plus strand). Cytogenetic location: 7q21.2.
Variant type: single nucleotide variant.
Coding change: c.883A>G on transcript NM_005751.5 (MANE Select); coding-DNA position 883, A replaced by G.
Protein change: p.Thr295Ala; replaces threonine 295 with alanine.
Molecular consequence: missense variant.
Genome position (GRCh38, 1-based): chr7:91,995,753, A>G. VCF-style: chr7-91995753-A-G. GRCh37 (hg19) VCF-style: chr7-91625067-A-G.
Other names: c.883A>G, p.Thr295Ala (NM_147185.3); short protein forms T295A.
Identifiers: ClinVar variation 188314 (VCV000188314.16), dbSNP rs149825027, ClinGen allele CA334590.

ClinVar aggregate classification (germline): Likely benign. Review status: criteria provided, multiple submitters, no conflicts (2 of 4 stars). 3 submissions from 3 submitters: Likely benign (3). Last evaluated 2026-01-21.

Conditions:
Cardiovascular phenotype. Identifiers: MedGen CN230736.
Long QT syndrome (LQTS). Identifiers: MedGen C0023976, MeSH D008133, MONDO:0002442. Disease mechanism: loss of function. Inheritance: Various modes of inheritance.

Allele frequency attached by ClinVar (database versions not stated): gnomAD exomes 0.00004 and 0.00012; ExAC 0.00014; gnomAD 0.00038 and 0.00044; 1000 Genomes Project 0.00040; TOPMed 0.00046; 1000 Genomes Project 30x 0.00047; ESP Exome Variant Server 0.00054.
gnomAD v4.1: 119 of 1,612,988 alleles (0.0074%); highest among the groups gnomAD compares: African/African-American, 0.14%; no homozygotes.

Submissions (3):

Labcorp Genetics (formerly Invitae), Labcorp
Classification: Likely benign for Long QT syndrome. Last evaluated: 2026-01-21. Review status: criteria provided, single submitter. Criteria: Invitae Variant Classification Sherloc (09022015). Collection method: clinical testing. Allele origin: germline.

Ambry Genetics
Classification: Likely benign for Cardiovascular phenotype. Last evaluated: 2021-10-12. Review status: criteria provided, single submitter. Criteria: Ambry Variant Classification Scheme 2023. Collection method: clinical testing. Allele origin: germline.

Women's Health and Genetics/Laboratory Corporation of America, LabCorp
Classification: Likely benign. Last evaluated: 2020-11-23. Review status: criteria provided, single submitter. Criteria: LabCorp Variant Classification Summary - May 2015. Collection method: clinical testing. Allele origin: germline.
Comment: Variant summary: AKAP9 c.883A>G (p.Thr295Ala) results in a non-conservative amino acid change in the encoded protein sequence. Three of five in-silico tools predict a benign effect of the variant on protein function. The variant allele was found at a frequency of 0.00012 in 250540 control chromosomes, predominantly at a frequency of 0.0016 within the African or African-American subpopulation in the gnomAD database. The observed variant frequency within African or African-American control individuals in the gnomAD database is approximately 480 fold of the estimated maximal expected allele frequency for a pathogenic variant in AKAP9 causing Long QT Syndrome phenotype (3.3e-06), strongly suggesting that the variant is a benign polymorphism found primarily in populations of African or African-American origin. To our knowledge, no occurrence of c.883A>G in individuals affected with Long QT Syndrome and no experimental evidence demonstrating its impact on protein function have been reported. Two ClinVar submitters (evaluation after 2014) cite the variant as likely benign. Based on the evidence outlined above, the variant was classified as likely benign.